The following is an entry in ClinVar:

ClinVar aggregate classification (germline): Conflicting classifications of pathogenicity. Review status: criteria provided, conflicting classifications (1 of 4 stars). 7 submissions from 7 submitters: Uncertain significance (6); Likely benign (1). Last evaluated 2024-11-07.

Conditions:
Megacystis-microcolon-intestinal hypoperistalsis syndrome 2. Identifiers: MedGen C5543476, MONDO:0025708, OMIM 619351.
Aortic aneurysm, familial thoracic 4 (AAT4). Also called: AORTIC ANEURYSM/AORTIC DISSECTION AND PATENT DUCTUS ARTERIOSUS. Identifiers: MedGen C1851504, MONDO:0007568, OMIM 132900.
Familial thoracic aortic aneurysm and aortic dissection (TAAD). Also called: Thoracic aortic aneurysms and dissections. Identifiers: Orphanet 91387, MedGen C4707243, MONDO:0019625.

Allele frequency attached by ClinVar (database versions not stated): ExAC 0.00001; gnomAD 0.00001; gnomAD exomes 0.00001; TOPMed 0.00001; 1000 Genomes Project 0.00020; 1000 Genomes Project 30x 0.00047.
gnomAD v4.1: 8 of 1,613,970 alleles (0.0005%); highest among the groups gnomAD compares: East Asian, 0.013%; no homozygotes.

Submissions (7):

Labcorp Genetics (formerly Invitae), Labcorp
Classification: Uncertain significance for Aortic aneurysm, familial thoracic 4. Last evaluated: 2024-11-07. Review status: criteria provided, single submitter. Criteria: Invitae Variant Classification Sherloc (09022015). Collection method: clinical testing. Allele origin: germline.
Comment: This sequence change replaces arginine, which is basic and polar, with lysine, which is basic and polar, at codon 816 of the MYH11 protein (p.Arg816Lys). This variant is present in population databases (rs534802983, gnomAD 0.006%). This variant has not been reported in the literature in individuals affected with MYH11-related conditions. ClinVar contains an entry for this variant (Variation ID: 1171454). Invitae Evidence Modeling of protein sequence and biophysical properties (such as structural, functional, and spatial information, amino acid conservation, physicochemical variation, residue mobility, and thermodynamic stability) indicates that this missense variant is not expected to disrupt MYH11 protein function with a negative predictive value of 95%. In summary, the available evidence is currently insufficient to determine the role of this variant in disease. Therefore, it has been classified as a Variant of Uncertain Significance.

3billion
Classification: Likely benign for Megacystis-microcolon-intestinal hypoperistalsis syndrome 2. Last evaluated: 2024-09-20. Review status: criteria provided, single submitter. Criteria: ACMG Guidelines, 2015. Collection method: clinical testing. Allele origin: germline. Affected: no.
Comment: The homozygous variant was found in patients diagnosed with another variant in a different gene, with no symptoms related to the gene containing the homozygous variant.

Blueprint Genetics
Classification: Uncertain significance. Last evaluated: 2024-06-14. Review status: criteria provided, single submitter. Criteria: ACMG Guidelines, 2015. Collection method: clinical testing. Allele origin: germline.

Color Diagnostics, LLC DBA Color Health
Classification: Uncertain significance for Familial thoracic aortic aneurysm and aortic dissection. Last evaluated: 2024-03-06. Review status: criteria provided, single submitter. Criteria: ACMG Guidelines, 2015. Collection method: clinical testing. Allele origin: germline.
Comment: This missense variant replaces arginine with lysine at codon 816 of the MYH11 protein. Computational prediction suggests that this variant may not impact protein structure and function (internally defined REVEL score threshold <= 0.5, PMID: 27666373). To our knowledge, functional studies have not been reported for this variant. This variant has not been reported in individuals affected with cardiovascular disorders in the literature. This variant has been identified in 2/251254 chromosomes in the general population by the Genome Aggregation Database (gnomAD). The available evidence is insufficient to determine the role of this variant in disease conclusively. Therefore, this variant is classified as a Variant of Uncertain Significance.

All of Us Research Program, National Institutes of Health
Classification: Uncertain significance for Familial thoracic aortic aneurysm and aortic dissection. Last evaluated: 2023-10-27. Review status: criteria provided, single submitter. Criteria: ACMG Guidelines, 2015. Collection method: clinical testing. Allele origin: germline. Inheritance: Autosomal dominant inheritance. Observed: 4 variant alleles, 4 heterozygotes.
Comment: This missense variant replaces arginine with lysine at codon 816 of the MYH11 protein. Computational prediction suggests that this variant may not impact protein structure and function (internally defined REVEL score threshold <= 0.5, PMID: 27666373). To our knowledge, functional studies have not been reported for this variant. This variant has not been reported in individuals affected with cardiovascular disorders in the literature. This variant has been identified in 2/251254 chromosomes in the general population by the Genome Aggregation Database (gnomAD). The available evidence is insufficient to determine the role of this variant in disease conclusively. Therefore, this variant is classified as a Variant of Uncertain Significance.

This study involves interpretation of variants in research participants for the purpose of population health screening. Participant phenotype was not available at the time of variant classification. Additional details can be found in publication PMID: 35346344, PMCID: PMC8962531

Women's Health and Genetics/Laboratory Corporation of America, LabCorp
Classification: Uncertain significance. Last evaluated: 2023-08-24. Review status: criteria provided, single submitter. Criteria: LabCorp Variant Classification Summary - May 2015. Collection method: clinical testing. Allele origin: germline.

Ambry Genetics
Classification: Uncertain significance for Familial thoracic aortic aneurysm and aortic dissection. Last evaluated: 2023-06-17. Review status: criteria provided, single submitter. Criteria: Ambry Variant Classification Scheme 2023. Collection method: clinical testing. Allele origin: germline.
Comment: The p.R809K variant (also known as c.2426G>A), located in coding exon 19 of the MYH11 gene, results from a G to A substitution at nucleotide position 2426. The arginine at codon 809 is replaced by lysine, an amino acid with highly similar properties. This amino acid position is conserved. In addition, this alteration is predicted to be tolerated by in silico analysis. Since supporting evidence is limited at this time, the clinical significance of this alteration remains unclear.

NM_002474.3(MYH11):c.2426G>A (p.Arg809Lys)

Gene: MYH11 (myosin heavy chain 11; minus strand). Cytogenetic location: 16p13.11.
Variant type: single nucleotide variant.
Coding change: c.2426G>A on transcript NM_002474.3 (MANE Select); coding-DNA position 2426, G replaced by A.
Protein change: p.Arg809Lys; replaces arginine 809 with lysine.
Molecular consequence: missense variant.
Genome position (GRCh38, 1-based): chr16:15,745,223, C>T on the plus strand (G>A on the coding strand, the complement: MYH11 is on the minus strand). VCF-style: chr16-15745223-C-T. GRCh37 (hg19) VCF-style: chr16-15839080-C-T.
Other names: c.2447G>A, p.Arg816Lys (NM_001040113.2, NM_001040114.2); c.2426G>A, p.Arg809Lys (NM_022844.3); c.2426G>A (NM_002474.2); short protein forms R809K, R816K.
Identifiers: ClinVar variation 1171454 (VCV001171454.13), dbSNP rs534802983, ClinGen allele CA7922270.